The following is an entry in ClinVar:

ClinVar aggregate classification (germline): Likely pathogenic (1 of 4 stars; one submission).

Conditions:
Autosomal recessive limb-girdle muscular dystrophy type 2J (LGMDR10). Also called: Limb-girdle muscular dystrophy, type 2J; MUSCULAR DYSTROPHY, LIMB-GIRDLE, AUTOSOMAL RECESSIVE 10. Identifiers: Orphanet 140922, MedGen C1837342, MONDO:0012127, OMIM 608807.
Dilated cardiomyopathy 1G (CMD1G). Identifiers: Orphanet 154, MedGen C1858763, MONDO:0011400, OMIM 604145.

Submission:

Labcorp Genetics (formerly Invitae), Labcorp
Classification: Likely pathogenic for Dilated cardiomyopathy 1G; Autosomal recessive limb-girdle muscular dystrophy type 2J. Last evaluated: 2026-01-20. Review status: criteria provided, single submitter. Criteria: Invitae Variant Classification Sherloc (09022015). Collection method: clinical testing. Allele origin: germline.
Comment: This sequence change creates a premature translational stop signal (p.Ala31673Leufs*2) in the TTN gene. While this is not anticipated to result in nonsense mediated decay, it is expected to create a truncated TTN protein. This variant is not present in population databases (gnomAD no frequency). This variant has not been reported in the literature in individuals affected with TTN-related conditions. This variant is located in the A band of TTN (PMID: 25589632). Truncating variants in this region are significantly overrepresented in patients affected with dilated cardiomyopathy (PMID: 25589632). Truncating variants in this region have also been reported in individuals affected with autosomal recessive centronuclear myopathy (PMID: 23975875). In summary, the currently available evidence indicates that the variant is pathogenic, but additional data are needed to prove that conclusively. Therefore, this variant has been classified as Likely Pathogenic.

Literature cited by the submitters: PubMed 25589632; PubMed 23975875.

NM_001267550.2(TTN):c.95016del (p.Ala31673fs)

Genes: TTN-AS1 (TTN antisense RNA 1; plus strand), TTN (titin; minus strand). Cytogenetic location: 2q31.2.
Variant type: Deletion.
Coding change: c.95016del on transcript NM_001267550.2 (MANE Select); coding-DNA position 95016, one base deleted (T; older notation c.95016delT).
Protein change: p.Ala31673fs; shifts the reading frame from alanine 31673.
Molecular consequence: frameshift variant.
Genome position (GRCh38, 1-based): chr2:178,546,315, A deleted on the plus strand (T on the coding strand, the reverse complement: TTN is on the minus strand). VCF-style (leftmost placement, unchanged base first): chr2-178546314-CA-C. GRCh37 (hg19) VCF-style: chr2-179411041-CA-C.
Other names: c.90093del, p.Ala30032fs (NM_001256850.1); c.67821del, p.Ala22608fs (NM_003319.4); c.87312del, p.Ala29105fs (NM_133378.4); c.68196del, p.Ala22733fs (NM_133432.3); c.68397del, p.Ala22800fs (NM_133437.4); short protein forms A22608fs, A22800fs, A30032fs, A22733fs, A29105fs, A31673fs.
Identifiers: ClinVar variation 4787255 (VCV004787255.1).